The following is an entry in ClinVar:

NM_001035.3(RYR2):c.5315G>T (p.Ser1772Ile)

Gene: RYR2 (ryanodine receptor 2; plus strand). Cytogenetic location: 1q43.
Variant type: single nucleotide variant.
Coding change: c.5315G>T on transcript NM_001035.3 (MANE Select); coding-DNA position 5315, G replaced by T.
Protein change: p.Ser1772Ile; replaces serine 1772 with isoleucine.
Molecular consequence: missense variant.
Genome position (GRCh38, 1-based): chr1:237,614,443, G>T. VCF-style: chr1-237614443-G-T. GRCh37 (hg19) VCF-style: chr1-237777743-G-T.
Other names: short protein forms S1772I.
Identifiers: ClinVar variation 1525405 (VCV001525405.11), dbSNP rs1559116458, ClinGen allele CA345404759.

ClinVar aggregate classification (germline): Uncertain significance. Review status: criteria provided, multiple submitters, no conflicts (2 of 4 stars). 2 submissions from 2 submitters: Uncertain significance (2). Last evaluated 2024-03-07.

Conditions:
Catecholaminergic polymorphic ventricular tachycardia 1. Also called: VENTRICULAR TACHYCARDIA, STRESS-INDUCED POLYMORPHIC 1; VENTRICULAR TACHYCARDIA, CATECHOLAMINERGIC POLYMORPHIC, 1, WITH OR WITHOUT ATRIAL DYSFUNCTION AND/OR DILATED CARDIOMYOPATHY; RYR2-Related Catecholaminergic Polymorphic Ventricular Tachycardia. Identifiers: Orphanet 3286, MedGen C1631597, MONDO:0011484, OMIM 604772.
Cardiomyopathy (CMYO). Also called: Cardiomyopathies. Identifiers: Orphanet 167848, MedGen C0878544, MONDO:0004994, HP:0001638. Inheritance: Various modes of inheritance.

Submissions (2):

Color Diagnostics, LLC DBA Color Health
Classification: Uncertain significance for Cardiomyopathy. Last evaluated: 2024-03-07. Review status: criteria provided, single submitter. Criteria: ACMG Guidelines, 2015. Collection method: clinical testing. Allele origin: germline.
Comment: This missense variant replaces serine with isoleucine at codon 1772 of the RYR2 protein. Computational prediction suggests that this variant may not impact protein structure and function (internally defined REVEL score threshold <= 0.5, PMID: 27666373). To our knowledge, functional studies have not been reported for this variant. This variant has not been reported in individuals affected with cardiovascular disorders in the literature. This variant has not been identified in the general population by the Genome Aggregation Database (gnomAD). The available evidence is insufficient to determine the role of this variant in disease conclusively. Therefore, this variant is classified as a Variant of Uncertain Significance.

Labcorp Genetics (formerly Invitae), Labcorp
Classification: Uncertain significance for Catecholaminergic polymorphic ventricular tachycardia 1. Last evaluated: 2021-04-11. Review status: criteria provided, single submitter. Criteria: Invitae Variant Classification Sherloc (09022015). Collection method: clinical testing. Allele origin: germline.
Comment: In summary, the available evidence is currently insufficient to determine the role of this variant in disease. Therefore, it has been classified as a Variant of Uncertain Significance. Advanced modeling of protein sequence and biophysical properties (such as structural, functional, and spatial information, amino acid conservation, physicochemical variation, residue mobility, and thermodynamic stability) performed at Invitae indicates that this missense variant is not expected to disrupt RYR2 protein function. This variant has not been reported in the literature in individuals with RYR2-related conditions. This variant is not present in population databases (ExAC no frequency). This sequence change replaces serine with isoleucine at codon 1772 of the RYR2 protein (p.Ser1772Ile). The serine residue is moderately conserved and there is a large physicochemical difference between serine and isoleucine.